The following is an entry in ClinVar:

ClinVar aggregate classification (germline): Uncertain significance (1 of 4 stars; one submission).

Conditions:
Alstrom syndrome (ALMS). Identifiers: Orphanet 64, MedGen C0268425, MONDO:0008763, OMIM 203800.

Submission:

Labcorp Genetics (formerly Invitae), Labcorp
Classification: Uncertain significance for Alstrom syndrome. Last evaluated: 2022-10-17. Review status: criteria provided, single submitter. Criteria: Invitae Variant Classification Sherloc (09022015). Collection method: clinical testing. Allele origin: germline.
Comment: This sequence change replaces aspartic acid with tyrosine at codon 458 of the ALMS1 protein (p.Asp458Tyr). The aspartic acid residue is weakly conserved and there is a large physicochemical difference between aspartic acid and tyrosine. This variant is not present in population databases (gnomAD no frequency). This variant has not been reported in the literature in individuals affected with ALMS1-related conditions. ClinVar contains an entry for this variant (Variation ID: 1409759). Experimental studies and prediction algorithms are not available or were not evaluated, and the functional significance of this variant is currently unknown. In summary, the available evidence is currently insufficient to determine the role of this variant in disease. Therefore, it has been classified as a Variant of Uncertain Significance.

NM_001378454.1(ALMS1):c.1369G>T (p.Asp457Tyr)

Gene: ALMS1 (ALMS1 centrosome and basal body associated protein; plus strand). Cytogenetic location: 2p13.1.
Variant type: single nucleotide variant.
Coding change: c.1369G>T on transcript NM_001378454.1 (MANE Select); coding-DNA position 1369, G replaced by T.
Protein change: p.Asp457Tyr; replaces aspartic acid 457 with tyrosine.
Molecular consequence: missense variant.
Genome position (GRCh38, 1-based): chr2:73,432,228, G>T. VCF-style: chr2-73432228-G-T. GRCh37 (hg19) VCF-style: chr2-73659356-G-T.
Other names: c.1372G>T, p.Asp458Tyr (NM_015120.4); short protein forms D457Y, D458Y.
Identifiers: ClinVar variation 1409759 (VCV001409759.3), dbSNP rs1671513924, ClinGen allele CA347262512.